The following is an entry in ClinVar:

ClinVar aggregate classification (germline): Likely benign. Review status: criteria provided, single submitter (1 of 4 stars). 2 submissions from 2 submitters: Likely benign (1). 1 of the submissions does not count toward it. Last evaluated 2026-08-01.

Conditions:
KCNQ1-related disorder. Also called: KCNQ1-related disorders; KCNQ1-related condition. Identifiers: MedGen CN239322.

Allele frequency attached by ClinVar (database versions not stated): 1000 Genomes Project 30x 0.00078; gnomAD 0.00197; TOPMed 0.00204; gnomAD exomes 0.00259; 1000 Genomes Project 0.00040.
gnomAD v4.1: 923 of 398,532 alleles (0.23%); highest among the groups gnomAD compares: Non-Finnish European, 0.36%; 4 homozygotes.

Submissions (2):

CeGaT Center for Human Genetics Tuebingen
Classification: Likely benign. Last evaluated: 2026-08-01. Review status: criteria provided, single submitter. Criteria: CeGaT Center For Human Genetics Tuebingen Variant Classification Criteria Version 2. Collection method: clinical testing. Allele origin: germline. Affected: yes. Observed: 10 variant alleles.
Comment: KCNQ1OT1: BS2

PreventionGenetics, part of Exact Sciences
Classification: Likely benign for KCNQ1-related condition. Last evaluated: 2022-03-18. Review status: no assertion criteria provided. Collection method: clinical testing. Allele origin: germline. Not counted in ClinVar's aggregate classification.
Comment: This variant is classified as likely benign based on ACMG/AMP sequence variant interpretation guidelines (Richards et al. 2015 PMID: 25741868, with internal and published modifications).

NM_000218.3(KCNQ1):c.1394-18020C>T

Genes: KCNQ1OT1 (KCNQ1 opposite strand/antisense transcript 1; minus strand), KCNQ1 (potassium voltage-gated channel subfamily Q member 1; plus strand). Cytogenetic location: 11p15.5.
Variant type: single nucleotide variant.
Coding change: c.1394-18020C>T on transcript NM_000218.3 (MANE Select); 18020 bases into the intron before coding-DNA position 1394, C replaced by T.
Molecular consequence: intron variant. On other transcripts: non-coding transcript variant (1).
Genome position (GRCh38, 1-based): chr11:2,643,941, C>T. VCF-style: chr11-2643941-C-T. GRCh37 (hg19) VCF-style: chr11-2665171-C-T.
Other names: c.1124-18020C>T (NM_001406837.1); c.1298-18020C>T (NM_001406836.1); c.854-18020C>T (NM_001406838.1); c.1013-18020C>T (NM_181798.2); c.1394-18020C>T (NM_000218.2).
Identifiers: ClinVar variation 2641413 (VCV002641413.25), dbSNP rs528659282, ClinGen allele CA216156525.